The following is an entry in ClinVar:

ClinVar aggregate classification (germline): Uncertain significance (1 of 4 stars; one submission).

Submission:

Ambry Genetics
Classification: Uncertain significance. Last evaluated: 2024-04-28. Review status: criteria provided, single submitter. Criteria: Ambry Variant Classification Scheme 2023. Collection method: clinical testing. Allele origin: germline.
Comment: The p.L862P variant (also known as c.2585T>C), located in coding exon 23 of the PRKDC gene, results from a T to C substitution at nucleotide position 2585. The leucine at codon 862 is replaced by proline, an amino acid with similar properties. This amino acid position is conserved. In addition, this alteration is predicted to be deleterious by in silico analysis. Based on the available evidence, the clinical significance of this variant remains unclear.

NM_006904.7(PRKDC):c.2585T>C (p.Leu862Pro)

Gene: PRKDC (protein kinase, DNA-activated, catalytic subunit; minus strand). Cytogenetic location: 8q11.21.
Variant type: single nucleotide variant.
Coding change: c.2585T>C on transcript NM_006904.7 (MANE Select); coding-DNA position 2585, T replaced by C.
Protein change: p.Leu862Pro; replaces leucine 862 with proline.
Molecular consequence: missense variant.
Genome position (GRCh38, 1-based): chr8:47,915,360, A>G on the plus strand (T>C on the coding strand, the complement: PRKDC is on the minus strand). VCF-style: chr8-47915360-A-G. GRCh37 (hg19) VCF-style: chr8-48827920-A-G.
Other names: c.2585T>C, p.Leu862Pro (NM_001081640.2); short protein forms L862P.
Identifiers: ClinVar variation 3310066 (VCV003310066.1).